The following is an entry in ClinVar:

NM_001127671.2(LIFR):c.912_915del (p.Ile304fs)

Gene: LIFR (LIF receptor subunit alpha; minus strand). Cytogenetic location: 5p13.1.
Variant type: Deletion.
Coding change: c.912_915del on transcript NM_001127671.2 (MANE Select); coding-DNA positions 912 to 915, 4 bases deleted (TTCT; older notation c.912_915delTTCT).
Protein change: p.Ile304fs; shifts the reading frame from isoleucine 304.
Molecular consequence: frameshift variant.
Genome position (GRCh38, 1-based): chr5:38,510,540-38,510,543, AGAA deleted on the plus strand (TTCT on the coding strand, the reverse complement: LIFR is on the minus strand); deleting any 4 consecutive bases within chr5:38,510,540-38,510,544 gives the same sequence; the c. name uses the placement nearest the transcript's 3' end. VCF-style (leftmost placement, unchanged base first): chr5-38510539-CAGAA-C. GRCh37 (hg19) VCF-style: chr5-38510641-CAGAA-C.
Other names: c.912_915delTTCT (NM_002310.6); c.912_915del, p.Ile304fs (NM_001364297.2, NM_001364298.2, NM_002310.6); short protein forms I304fs.
Identifiers: ClinVar variation 817458 (VCV000817458.7), dbSNP rs1561159768, ClinGen allele CA559296166.

ClinVar aggregate classification (germline): Pathogenic/Likely pathogenic. Review status: criteria provided, multiple submitters, no conflicts (2 of 4 stars). 3 submissions from 3 submitters: Pathogenic (1); Likely pathogenic (1). 1 of the submissions does not count toward it. Last evaluated 2022-09-23.

Conditions:
Stuve-Wiedemann syndrome (STWS). Also called: Stüve-Wiedemann syndrome. Identifiers: Orphanet 3206, MedGen C0796176, MONDO:0031280.

Submissions (3):

Labcorp Genetics (formerly Invitae), Labcorp
Classification: Pathogenic. Last evaluated: 2022-09-23. Review status: criteria provided, single submitter. Criteria: Invitae Variant Classification Sherloc (09022015). Collection method: clinical testing. Allele origin: germline.
Comment: This sequence change creates a premature translational stop signal (p.Ile304Metfs*10) in the LIFR gene. It is expected to result in an absent or disrupted protein product. Loss-of-function variants in LIFR are known to be pathogenic (PMID: 14740318). This variant is present in population databases (no rsID available, gnomAD 0.0009%). This variant has not been reported in the literature in individuals affected with LIFR-related conditions. ClinVar contains an entry for this variant (Variation ID: 817458). For these reasons, this variant has been classified as Pathogenic.

GeneDx
Classification: Likely pathogenic. Last evaluated: 2019-02-11. Review status: criteria provided, single submitter. Criteria: GeneDx Variant Classification (06012015). Collection method: clinical testing. Allele origin: germline. Affected: yes.
Comment: The c.912_915delTTCT variant in the LIFR gene has not been reported previously as a pathogenic variant nor as a benign variant, to our knowledge. The c.912_915delTTCT variant causes a frameshift starting with codon Isoleucine 304, changes this amino acid to a Methionine residue, and creates a premature Stop codon at position 10 of the new reading frame, denoted p.Ile304MetfsX10. This variant is predicted to cause loss of normal protein function either through protein truncation or nonsense-mediated mRNA decay. The c.912_915delTTCT variant is not observed at a significant frequency in large population cohorts (Lek et al., 2016). We interpret c.912_915delTTCT as a pathogenic variant.

Natera, Inc.
Classification: Likely pathogenic for Stuve-Wiedemann syndrome. Last evaluated: 2020-09-16. Review status: no assertion criteria provided. Collection method: clinical testing. Allele origin: germline. Not counted in ClinVar's aggregate classification.

Literature cited by the submitters: PubMed 14740318 (cited by Labcorp Genetics (formerly Invitae), Labcorp).